The following is an entry in ClinVar:

NM_014991.6(WDFY3):c.3746T>C (p.Ile1249Thr)

Gene: WDFY3 (WD repeat and FYVE domain containing 3; minus strand). Cytogenetic location: 4q21.23.
Variant type: single nucleotide variant.
Coding change: c.3746T>C on transcript NM_014991.6 (MANE Select); coding-DNA position 3746, T replaced by C.
Protein change: p.Ile1249Thr; replaces isoleucine 1249 with threonine.
Molecular consequence: missense variant.
Genome position (GRCh38, 1-based): chr4:84,787,637, A>G on the plus strand (T>C on the coding strand, the complement: WDFY3 is on the minus strand). VCF-style: chr4-84787637-A-G. GRCh37 (hg19) VCF-style: chr4-85708790-A-G.
Other names: short protein forms I1249T.
Identifiers: ClinVar variation 2497873 (VCV002497873.2), dbSNP rs1747786377, ClinGen allele CA357556315.

ClinVar aggregate classification (germline): Uncertain significance (1 of 4 stars; one submission).

Allele frequency attached by ClinVar (database versions not stated): TOPMed below 0.00001; gnomAD exomes below 0.00001.
gnomAD v4.1: 1 of 1,614,156 alleles (0.000062%); highest among the groups gnomAD compares: African/African-American, 0.0013%; no homozygotes.

Submission:

GeneDx
Classification: Uncertain significance. Last evaluated: 2025-06-13. Review status: criteria provided, single submitter. Criteria: GeneDx Variant Classification Process June 2021. Collection method: clinical testing. Allele origin: germline.
Comment: Not observed at significant frequency in large population cohorts (gnomAD); In silico analysis supports that this missense variant has a deleterious effect on protein structure/function; Has not been previously published as pathogenic or benign to our knowledge